The following is an entry in ClinVar:

NM_033380.3(COL4A5):c.2917+1G>A

Gene: COL4A5 (collagen type IV alpha 5 chain; plus strand). Cytogenetic location: Xq22.3.
Variant type: single nucleotide variant.
Coding change: c.2917+1G>A on transcript NM_033380.3 (MANE Select); the canonical splice donor site of the intron after coding-DNA position 2917, G replaced by A.
Molecular consequence: splice donor variant.
Genome position (GRCh38, 1-based): chrX:108,622,826, G>A. VCF-style: chrX-108622826-G-A. GRCh37 (hg19) VCF-style: chrX-107866056-G-A.
Other names: c.2917+1G>A (NM_000495.5).
Identifiers: ClinVar variation 869161 (VCV000869161.6), dbSNP rs104886371, ClinGen allele CA413853085.

ClinVar aggregate classification (germline): Pathogenic. Review status: criteria provided, multiple submitters, no conflicts (2 of 4 stars). 2 submissions from 2 submitters: Pathogenic (2). Last evaluated 2025-03-21.

Conditions:
X-linked Alport syndrome (ATS1). Also called: NEPHROPATHY AND DEAFNESS, X-LINKED; COL4A5-Related Nephropathy. Identifiers: Orphanet 63, Orphanet 88917, MedGen C4746986, MONDO:0010520, OMIM 301050.

Submissions (3):

3billion
Classification: Pathogenic for X-linked Alport syndrome. Last evaluated: 2025-03-21. Review status: criteria provided, single submitter. Criteria: ACMG Guidelines, 2015. Collection method: clinical testing. Allele origin: germline. Affected: yes.
Comment: The variant is not observed in the gnomAD v4.1.0 dataset. Predicted Consequence/Location: Canonical splice site: predicted to alter splicing and result in a loss or disruption of normal protein function. Multiple pathogenic loss-of-function variants are reported downstream of the variant. Functional studies provide moderate evidence of the variant having a damaging effect on the gene or gene product (PMID: 32659759). The variant has been reported to be associated with COL4A5-related disorder (ClinVar ID: VCV000869161 / PMID: 32659759). Therefore, this variant is classified as Pathogenic according to the recommendation of ACMG/AMP guideline.

Labcorp Genetics (formerly Invitae), Labcorp
Classification: Pathogenic. Last evaluated: 2024-03-27. Review status: criteria provided, single submitter. Criteria: Invitae Variant Classification Sherloc (09022015). Collection method: clinical testing. Allele origin: germline.
Comment: This sequence change affects a donor splice site in intron 33 of the COL4A5 gene. It is expected to disrupt RNA splicing. Variants that disrupt the donor or acceptor splice site typically lead to a loss of protein function (PMID: 16199547), and loss-of-function variants in COL4A5 are known to be pathogenic (PMID: 9195222, 10752524, 14514738, 24854265, 26809805). This variant is not present in population databases (gnomAD no frequency). Disruption of this splice site has been observed in individuals with Alport syndrome (PMID: 32659759). It has also been observed to segregate with disease in related individuals. ClinVar contains an entry for this variant (Variation ID: 869161). Studies have shown that disruption of this splice site is associated with altered splicing resulting in multiple RNA products (PMID: 32659759). For these reasons, this variant has been classified as Pathogenic.

Institute of Clinical Laboratory Science, Nanjing University Affiliated Jinling Hospital
No classification provided (evidence only). Condition: X-linked Alport syndrome. Last evaluated: 2017-05-21. Review status: no classification provided. Collection method: in vitro. Allele origin: not applicable. Inheritance: X-linked dominant inheritance. Functional consequence: exon loss. Not counted in ClinVar's aggregate classification.
Comment: In vitro minigene experiment showed that the mutation of c.2917 + 1G> A could result in the deletion of 96 bases in exon 33 of COL4A5 gene

"Pathogenic" was previously submitted as the classification for the variant. However, the classification appeared to be based only on an observation of functional data so it was converted to no classification on 2025-07-30.

Literature cited by the submitters: PubMed 32659759 (cited by 3billion and Labcorp Genetics (formerly Invitae), Labcorp); PubMed 16199547 (cited by Labcorp Genetics (formerly Invitae), Labcorp); PubMed 9195222 (cited by Labcorp Genetics (formerly Invitae), Labcorp); PubMed 10752524 (cited by Labcorp Genetics (formerly Invitae), Labcorp); PubMed 14514738 (cited by Labcorp Genetics (formerly Invitae), Labcorp); PubMed 24854265 (cited by Labcorp Genetics (formerly Invitae), Labcorp); PubMed 26809805 (cited by Labcorp Genetics (formerly Invitae), Labcorp).